The following is an entry in ClinVar:

ClinVar aggregate classification (germline): Uncertain significance. Review status: criteria provided, multiple submitters, no conflicts (2 of 4 stars). 2 submissions from 2 submitters: Uncertain significance (2). Last evaluated 2024-02-01.

Conditions:
Familial cutaneous telangiectasia and oropharyngeal predisposition cancer syndrome. Identifiers: Orphanet 313846, MedGen C3281203, MONDO:0013806, OMIM 614564.
Seckel syndrome 1 (SCKL1). Also called: MICROCEPHALIC PRIMORDIAL DWARFISM I. Identifiers: Orphanet 808, MedGen C4551474, MONDO:0008869, OMIM 210600.

gnomAD v4.1: 23 of 1,613,142 alleles (0.0014%); highest among the groups gnomAD compares: Non-Finnish European, 0.0019%; no homozygotes.

Submissions (2):

Labcorp Genetics (formerly Invitae), Labcorp
Classification: Uncertain significance. Last evaluated: 2024-02-01. Review status: criteria provided, single submitter. Criteria: Invitae Variant Classification Sherloc (09022015). Collection method: clinical testing. Allele origin: germline.
Comment: This sequence change replaces glutamine, which is neutral and polar, with glutamic acid, which is acidic and polar, at codon 1597 of the ATR protein (p.Gln1597Glu). This variant is present in population databases (rs373665227, gnomAD 0.002%). This variant has not been reported in the literature in individuals affected with ATR-related conditions. An algorithm developed to predict the effect of missense changes on protein structure and function (PolyPhen-2) suggests that this variant is likely to be disruptive. In summary, the available evidence is currently insufficient to determine the role of this variant in disease. Therefore, it has been classified as a Variant of Uncertain Significance.

Fulgent Genetics
Classification: Uncertain significance for Seckel syndrome 1; Familial cutaneous telangiectasia and oropharyngeal predisposition cancer syndrome. Last evaluated: 2024-01-02. Review status: criteria provided, single submitter. Criteria: ACMG Guidelines, 2015. Collection method: clinical testing. Allele origin: germline.

NM_001184.4(ATR):c.4789C>G (p.Gln1597Glu)

Gene: ATR (ATR checkpoint kinase; minus strand). Cytogenetic location: 3q23.
Variant type: single nucleotide variant.
Coding change: c.4789C>G on transcript NM_001184.4 (MANE Select); coding-DNA position 4789, C replaced by G.
Protein change: p.Gln1597Glu; replaces glutamine 1597 with glutamic acid.
Molecular consequence: missense variant.
Genome position (GRCh38, 1-based): chr3:142,512,323, G>C on the plus strand (C>G on the coding strand, the complement: ATR is on the minus strand). VCF-style: chr3-142512323-G-C. GRCh37 (hg19) VCF-style: chr3-142231165-G-C.
Other names: c.4597C>G, p.Gln1533Glu (NM_001354579.2); short protein forms Q1533E, Q1597E.
Identifiers: ClinVar variation 3588626 (VCV003588626.3).